The following is an entry in ClinVar:

NM_014727.3(KMT2B):c.5254C>T (p.Arg1752Trp)

Gene: KMT2B (lysine methyltransferase 2B; plus strand). Cytogenetic location: 19q13.12.
Variant type: single nucleotide variant.
Coding change: c.5254C>T on transcript NM_014727.3 (MANE Select); coding-DNA position 5254, C replaced by T.
Protein change: p.Arg1752Trp; replaces arginine 1752 with tryptophan.
Molecular consequence: missense variant.
Genome position (GRCh38, 1-based): chr19:35,730,594, C>T. VCF-style: chr19-35730594-C-T. GRCh37 (hg19) VCF-style: chr19-36221495-C-T.
Other names: c.5254C>T (NM_014727.2); short protein forms R1752W.
Identifiers: ClinVar variation 3865074 (VCV003865074.2).

ClinVar aggregate classification (germline): Uncertain significance. Review status: criteria provided, multiple submitters, no conflicts (2 of 4 stars). 2 submissions from 2 submitters: Uncertain significance (2). Last evaluated 2025-11-06.

Conditions:
Inborn genetic diseases. Identifiers: MedGen C0950123, MeSH D030342.
KMT2B-related disorder. Also called: KMT2B-related condition; KMT2B-related disorders. Identifiers: MedGen CN381338.

gnomAD v4.1: 5 of 1,613,894 alleles (0.00031%); highest among the groups gnomAD compares: African/African-American, 0.0013%; no homozygotes.

Submissions (2):

PreventionGenetics, part of Exact Sciences
Classification: Uncertain significance for KMT2B-related condition. Last evaluated: 2025-11-06. Review status: criteria provided, single submitter. Criteria: ACMG Guidelines, 2015. Collection method: clinical testing. Allele origin: germline.
Comment: The KMT2B c.5254C>T variant is predicted to result in the amino acid substitution p.Arg1752Trp. To our knowledge, this variant has not been reported in the literature or in a large population database (gnomAD), indicating this variant is rare. At this time, the clinical significance of this variant is uncertain due to the absence of conclusive functional and genetic evidence.

Ambry Genetics
Classification: Uncertain significance for Inborn genetic diseases. Last evaluated: 2025-02-25. Review status: criteria provided, single submitter. Criteria: Ambry Variant Classification Scheme 2023. Collection method: clinical testing. Allele origin: germline.